The following is an entry in ClinVar:

ClinVar aggregate classification (germline): Uncertain significance (1 of 4 stars; one submission).

Submission:

Labcorp Genetics (formerly Invitae), Labcorp
Classification: Uncertain significance. Last evaluated: 2024-08-10. Review status: criteria provided, single submitter. Criteria: Invitae Variant Classification Sherloc (09022015). Collection method: clinical testing. Allele origin: germline.
Comment: This sequence change replaces tyrosine, which is neutral and polar, with cysteine, which is neutral and slightly polar, at codon 957 of the OTOGL protein (p.Tyr957Cys). This variant is present in population databases (rs750868877, gnomAD 0.01%). This variant has not been reported in the literature in individuals affected with OTOGL-related conditions. An algorithm developed to predict the effect of missense changes on protein structure and function (PolyPhen-2) suggests that this variant is likely to be disruptive. In summary, the available evidence is currently insufficient to determine the role of this variant in disease. Therefore, it has been classified as a Variant of Uncertain Significance.

NM_001378609.3(OTOGL):c.2897A>G (p.Tyr966Cys)

Gene: OTOGL (otogelin like; plus strand). Cytogenetic location: 12q21.31.
Variant type: single nucleotide variant.
Coding change: c.2897A>G on transcript NM_001378609.3 (MANE Select); coding-DNA position 2897, A replaced by G.
Protein change: p.Tyr966Cys; replaces tyrosine 966 with cysteine.
Molecular consequence: missense variant.
Genome position (GRCh38, 1-based): chr12:80,279,135, A>G. VCF-style: chr12-80279135-A-G. GRCh37 (hg19) VCF-style: chr12-80672915-A-G.
Other names: c.2897A>G, p.Tyr966Cys (NM_001368062.3, NM_001378610.3, NM_173591.7); short protein forms Y966C.
Identifiers: ClinVar variation 3612598 (VCV003612598.2).